The following is an entry in ClinVar:

NM_014822.4(SEC24D):c.484T>C (p.Ser162Pro)

Gene: SEC24D (SEC24 homolog D, COPII component; minus strand). Cytogenetic location: 4q26.
Variant type: single nucleotide variant.
Coding change: c.484T>C on transcript NM_014822.4 (MANE Select); coding-DNA position 484, T replaced by C.
Protein change: p.Ser162Pro; replaces serine 162 with proline.
Molecular consequence: missense variant.
Genome position (GRCh38, 1-based): chr4:118,815,640, A>G on the plus strand (T>C on the coding strand, the complement: SEC24D is on the minus strand). VCF-style: chr4-118815640-A-G. GRCh37 (hg19) VCF-style: chr4-119736795-A-G.
Other names: c.484T>C, p.Ser162Pro (NM_001318066.2); short protein forms S162P.
Identifiers: ClinVar variation 1414492 (VCV001414492.8), dbSNP rs2110524696, ClinGen allele CA358015729.

ClinVar aggregate classification (germline): Uncertain significance (1 of 4 stars; one submission).

Submission:

Labcorp Genetics (formerly Invitae), Labcorp
Classification: Uncertain significance. Last evaluated: 2022-01-13. Review status: criteria provided, single submitter. Criteria: Invitae Variant Classification Sherloc (09022015). Collection method: clinical testing. Allele origin: germline.
Comment: In summary, the available evidence is currently insufficient to determine the role of this variant in disease. Therefore, it has been classified as a Variant of Uncertain Significance. This sequence change replaces serine, which is neutral and polar, with proline, which is neutral and non-polar, at codon 162 of the SEC24D protein (p.Ser162Pro). This variant is not present in population databases (gnomAD no frequency). This variant has not been reported in the literature in individuals affected with SEC24D-related conditions. Algorithms developed to predict the effect of missense changes on protein structure and function are either unavailable or do not agree on the potential impact of this missense change (SIFT: "Not Available"; PolyPhen-2: "Benign"; Align-GVGD: "Not Available").